The following is an entry in ClinVar:

NM_016604.4(KDM3B):c.4149C>T (p.Ser1383=)

Gene: KDM3B (lysine demethylase 3B; plus strand). Cytogenetic location: 5q31.2.
Variant type: single nucleotide variant.
Coding change: c.4149C>T on transcript NM_016604.4 (MANE Select); coding-DNA position 4149, C replaced by T.
Protein change: p.Ser1383=; no amino-acid change (serine 1383 retained).
Molecular consequence: synonymous variant.
Genome position (GRCh38, 1-based): chr5:138,424,251, C>T. VCF-style: chr5-138424251-C-T. GRCh37 (hg19) VCF-style: chr5-137759940-C-T.
Identifiers: ClinVar variation 3050957 (VCV003050957.3), dbSNP rs767893361, ClinGen allele CA3429403.

ClinVar aggregate classification (germline): Likely benign. Review status: criteria provided, single submitter (1 of 4 stars). 2 submissions from 2 submitters: Likely benign (1). 1 of the submissions does not count toward it. Last evaluated 2023-02-28.

Conditions:
KDM3B-related disorder. Also called: KDM3B-related condition.

Allele frequency attached by ClinVar (database versions not stated): gnomAD 0.00001; gnomAD exomes 0.00001; TOPMed 0.00001; ExAC 0.00002.
gnomAD v4.1: 15 of 1,614,064 alleles (0.00093%); highest among the groups gnomAD compares: Middle Eastern, 0.049%; no homozygotes.

Submissions (2):

Blueprint Genetics
Classification: Likely benign. Last evaluated: 2023-02-28. Review status: criteria provided, single submitter. Criteria: ACMG Guidelines, 2015. Collection method: clinical testing. Allele origin: germline.

PreventionGenetics, part of Exact Sciences
Classification: Likely benign for KDM3B-related condition. Last evaluated: 2020-02-26. Review status: no assertion criteria provided. Collection method: clinical testing. Allele origin: germline. Not counted in ClinVar's aggregate classification.
Comment: This variant is classified as likely benign based on ACMG/AMP sequence variant interpretation guidelines (Richards et al. 2015 PMID: 25741868, with internal and published modifications).